The following is an entry in ClinVar:

ClinVar aggregate classification (germline): Uncertain significance (1 of 4 stars; one submission).

gnomAD v4.1: 1 of 1,614,178 alleles (0.000062%); highest among the groups gnomAD compares: Non-Finnish European, 0.000085%; no homozygotes.

Submission:

Labcorp Genetics (formerly Invitae), Labcorp
Classification: Uncertain significance. Last evaluated: 2023-10-12. Review status: criteria provided, single submitter. Criteria: Invitae Variant Classification Sherloc (09022015). Collection method: clinical testing. Allele origin: germline.
Comment: This sequence change affects codon 208 of the HYOU1 mRNA. It is a 'silent' change, meaning that it does not change the encoded amino acid sequence of the HYOU1 protein. This variant is not present in population databases (gnomAD no frequency). This variant has not been reported in the literature in individuals affected with HYOU1-related conditions. In summary, the available evidence is currently insufficient to determine the role of this variant in disease. Therefore, it has been classified as a Variant of Uncertain Significance.

NM_006389.5(HYOU1):c.624C>T (p.Ala208=)

Gene: HYOU1 (hypoxia up-regulated 1; minus strand). Cytogenetic location: 11q23.3.
Variant type: single nucleotide variant.
Coding change: c.624C>T on transcript NM_006389.5 (MANE Select); coding-DNA position 624, C replaced by T.
Protein change: p.Ala208=; no amino-acid change (alanine 208 retained).
Molecular consequence: synonymous variant.
Genome position (GRCh38, 1-based): chr11:119,054,548, G>A on the plus strand (C>T on the coding strand, the complement: HYOU1 is on the minus strand). VCF-style: chr11-119054548-G-A. GRCh37 (hg19) VCF-style: chr11-118925260-G-A.
Other names: c.624C>T, p.Ala208= (NM_001130991.3, NM_001411041.1).
Identifiers: ClinVar variation 2767820 (VCV002767820.3), dbSNP rs928600977, ClinGen allele CA2575005064.